The following is an entry in ClinVar:

ClinVar aggregate classification (germline): Likely benign (1 of 4 stars; one submission).

Conditions:
Peters plus syndrome. Also called: KRAUSE-KIVLIN SYNDROME. Identifiers: Orphanet 709, MedGen C0796012, MONDO:0009856, OMIM 261540.

Allele frequency attached by ClinVar (database versions not stated): gnomAD 0.00071 and 0.00107; TOPMed 0.00108; 1000 Genomes Project 30x 0.00250; 1000 Genomes Project 0.00300.

Submission:

Illumina Laboratory Services, Illumina
Classification: Likely benign for Peters plus syndrome. Last evaluated: 2018-01-13. Review status: criteria provided, single submitter. Criteria: ICSL Variant Classification Criteria 13 December 2019. Collection method: clinical testing. Allele origin: germline.
Comment: This variant was observed in the ICSL laboratory as part of a predisposition screen in an ostensibly healthy population. It had not been previously curated by ICSL or reported in the Human Gene Mutation Database (HGMD: prior to June 1st, 2018), and was therefore a candidate for classification through an automated scoring system. Utilizing variant allele frequency, disease prevalence and penetrance estimates, and inheritance mode, an automated score was calculated to assess if this variant is too frequent to cause the disease. Based on the score and internal cut-off values, a variant classified as likely benign is not then subjected to further curation. The score for this variant resulted in a classification of likely benign for this disease.

NM_194318.4(B3GLCT):c.*970G>C

Gene: B3GLCT (beta 3-glucosyltransferase; plus strand). Cytogenetic location: 13q12.3.
Variant type: single nucleotide variant.
Coding change: c.*970G>C on transcript NM_194318.4 (MANE Select); 970 bases downstream of the stop codon, G replaced by C.
Molecular consequence: 3 prime UTR variant.
Genome position (GRCh38, 1-based): chr13:31,330,638, G>C. VCF-style: chr13-31330638-G-C. GRCh37 (hg19) VCF-style: chr13-31904775-G-C.
Identifiers: ClinVar variation 881996 (VCV000881996.4), dbSNP rs372046898, ClinGen allele CA247893070.